The following is an entry in ClinVar:

NM_001318852.2(MAPK8IP3):c.1251G>A (p.Met417Ile)

Gene: MAPK8IP3 (mitogen-activated protein kinase 8 interacting protein 3; plus strand). Cytogenetic location: 16p13.3.
Variant type: single nucleotide variant.
Coding change: c.1251G>A on transcript NM_001318852.2 (MANE Select); coding-DNA position 1251, G replaced by A.
Protein change: p.Met417Ile; replaces methionine 417 with isoleucine.
Molecular consequence: missense variant.
Genome position (GRCh38, 1-based): chr16:1,759,962, G>A. VCF-style: chr16-1759962-G-A. GRCh37 (hg19) VCF-style: chr16-1809963-G-A.
Other names: c.1230G>A, p.Met410Ile (NM_001040439.2); c.1248G>A, p.Met416Ile (NM_015133.5); short protein forms M410I, M416I, M417I.
Identifiers: ClinVar variation 5037268 (VCV005037268.1).

ClinVar aggregate classification (germline): Uncertain significance (1 of 4 stars; one submission).

Submission:

GeneDx
Classification: Uncertain significance. Last evaluated: 2026-04-15. Review status: criteria provided, single submitter. Criteria: GeneDx Variant Classification Process June 2021. Collection method: clinical testing. Allele origin: germline.
Comment: Not observed at significant frequency in large population cohorts (gnomAD); In silico analysis supports that this missense variant has a deleterious effect on protein structure/function; Has not been previously published as pathogenic or benign to our knowledge